The following is an entry in ClinVar:

NM_005677.4(COLQ):c.323G>A (p.Gly108Asp)

Gene: COLQ (collagen like tail subunit of asymmetric acetylcholinesterase; minus strand). Cytogenetic location: 3p25.1.
Variant type: single nucleotide variant.
Coding change: c.323G>A on transcript NM_005677.4 (MANE Select); coding-DNA position 323, G replaced by A.
Protein change: p.Gly108Asp; replaces glycine 108 with aspartic acid.
Molecular consequence: missense variant.
Genome position (GRCh38, 1-based): chr3:15,479,381, C>T on the plus strand (G>A on the coding strand, the complement: COLQ is on the minus strand). VCF-style: chr3-15479381-C-T. GRCh37 (hg19) VCF-style: chr3-15520888-C-T.
Other names: c.293G>A, p.Gly98Asp (NM_080538.2); c.221G>A, p.Gly74Asp (NM_080539.4); short protein forms G108D, G98D, G74D.
Identifiers: ClinVar variation 2169226 (VCV002169226.4), dbSNP rs2062438547, ClinGen allele CA351600090.

ClinVar aggregate classification (germline): Uncertain significance (1 of 4 stars; one submission).

Conditions:
Congenital myasthenic syndrome 5. Identifiers: Orphanet 590, MedGen C1864233, MONDO:0011281, OMIM 603034.

Allele frequency attached by ClinVar (database versions not stated): gnomAD exomes below 0.00001.

Submission:

Labcorp Genetics (formerly Invitae), Labcorp
Classification: Uncertain significance for Congenital myasthenic syndrome 5. Last evaluated: 2024-09-05. Review status: criteria provided, single submitter. Criteria: Invitae Variant Classification Sherloc (09022015). Collection method: clinical testing. Allele origin: germline.
Comment: This sequence change replaces glycine, which is neutral and non-polar, with aspartic acid, which is acidic and polar, at codon 108 of the COLQ protein (p.Gly108Asp). This variant is not present in population databases (gnomAD no frequency). This variant has not been reported in the literature in individuals affected with COLQ-related conditions. ClinVar contains an entry for this variant (Variation ID: 2169226). Experimental studies and prediction algorithms are not available or were not evaluated, and the functional significance of this variant is currently unknown. In summary, the available evidence is currently insufficient to determine the role of this variant in disease. Therefore, it has been classified as a Variant of Uncertain Significance.